The following is an entry in ClinVar:

NM_032590.5(KDM2B):c.3363C>T (p.Ile1121=)

Gene: KDM2B (lysine demethylase 2B; minus strand). Cytogenetic location: 12q24.31.
Variant type: single nucleotide variant.
Coding change: c.3363C>T on transcript NM_032590.5 (MANE Select); coding-DNA position 3363, C replaced by T.
Protein change: p.Ile1121=; no amino-acid change (isoleucine 1121 retained).
Molecular consequence: synonymous variant.
Genome position (GRCh38, 1-based): chr12:121,441,155, G>A on the plus strand (C>T on the coding strand, the complement: KDM2B is on the minus strand). VCF-style: chr12-121441155-G-A. GRCh37 (hg19) VCF-style: chr12-121878958-G-A.
Other names: c.3459C>T, p.Ile1153= (NM_001439014.1, NM_001439015.1); c.3441C>T, p.Ile1147= (NM_001439016.1); c.3363C>T, p.Ile1121= (NM_001439017.1, NM_001439018.1); c.3348C>T, p.Ile1116= (NM_001439020.1); c.3330C>T, p.Ile1110= (NM_001439021.1); c.3300C>T, p.Ile1100= (NM_001439022.1, NM_001439023.1); c.3270C>T, p.Ile1090= (NM_001439025.1, NM_001439026.1); c.3252C>T, p.Ile1084= (NM_001439028.1); and 3 more.
Identifiers: ClinVar variation 4874023 (VCV004874023.2).

ClinVar aggregate classification (germline): Likely benign (1 of 4 stars; one submission).

gnomAD v4.1: 201 of 1,614,214 alleles (0.012%); highest among the groups gnomAD compares: South Asian, 0.21%; no homozygotes.

Submission:

CeGaT Center for Human Genetics Tuebingen
Classification: Likely benign. Last evaluated: 2026-04-01. Review status: criteria provided, single submitter. Criteria: CeGaT Center For Human Genetics Tuebingen Variant Classification Criteria Version 2. Collection method: clinical testing. Allele origin: germline. Affected: yes. Observed: 1 variant allele.
Comment: KDM2B: BP4, BS2